The following is an entry in ClinVar:

ClinVar aggregate classification (germline): Uncertain significance (1 of 4 stars; one submission).

Conditions:
Dilated cardiomyopathy 1DD (CMD1DD). Identifiers: Orphanet 154, MedGen C2750995, MONDO:0013168, OMIM 613172.

Submission:

Labcorp Genetics (formerly Invitae), Labcorp
Classification: Uncertain significance for Dilated cardiomyopathy 1DD. Last evaluated: 2024-10-20. Review status: criteria provided, single submitter. Criteria: Invitae Variant Classification Sherloc (09022015). Collection method: clinical testing. Allele origin: germline.
Comment: This sequence change replaces alanine, which is neutral and non-polar, with glycine, which is neutral and non-polar, at codon 117 of the RBM20 protein (p.Ala117Gly). Information on the frequency of this variant in the gnomAD database is not available, as this variant may be reported differently in the database. This variant has not been reported in the literature in individuals affected with RBM20-related conditions. An algorithm developed to predict the effect of missense changes on protein structure and function (PolyPhen-2) suggests that this variant is likely to be disruptive. In summary, the available evidence is currently insufficient to determine the role of this variant in disease. Therefore, it has been classified as a Variant of Uncertain Significance.

NM_001134363.3(RBM20):c.350_351delinsGA (p.Ala117Gly)

Gene: RBM20 (RNA binding motif protein 20; plus strand). Cytogenetic location: 10q25.2.
Variant type: Indel.
Coding change: c.350_351delinsGA on transcript NM_001134363.3 (MANE Select); coding-DNA positions 350 to 351, CC replaced by GA.
Protein change: p.Ala117Gly; replaces alanine 117 with glycine.
Molecular consequence: missense variant.
Genome position (GRCh38, 1-based): chr10:110,780,959-110,780,960, CC replaced by GA. VCF-style: chr10-110780959-CC-GA. GRCh37 (hg19) VCF-style: chr10-112540717-CC-GA.
Other names: short protein forms A117G.
Identifiers: ClinVar variation 3709047 (VCV003709047.2).
Genomic context (GRCh38, chr10:110,780,959, plus strand): 5'-AGCTCACCCTCCACCGGCTGAAGCTGGCACAGACAGCTGTCACCAACAACACTGCAGCCG[CC>GA]ACAGTCCTGAACCAAGTCCTCTCCAAAGTGGCCATGTCCCAGCCTCTCTTCAATCAACTG-3'
Protein context (NP_001127835.2, residues 107-127): QTAVTNNTAA[Ala117Gly]TVLNQVLSKV